The following is an entry in ClinVar:

ClinVar aggregate classification (germline): Uncertain significance (1 of 4 stars; one submission).

Conditions:
Hypertrophic cardiomyopathy 14. Identifiers: MedGen C2750467, MONDO:0013197, OMIM 613251.

gnomAD v4.1: 7 of 1,613,248 alleles (0.00043%); highest among the groups gnomAD compares: African/African-American, 0.0013%; no homozygotes.

Submission:

Labcorp Genetics (formerly Invitae), Labcorp
Classification: Uncertain significance for Hypertrophic cardiomyopathy 14. Last evaluated: 2025-01-20. Review status: criteria provided, single submitter. Criteria: Invitae Variant Classification Sherloc (09022015). Collection method: clinical testing. Allele origin: germline.
Comment: This sequence change falls in intron 24 of the MYH6 gene. It does not directly change the encoded amino acid sequence of the MYH6 protein. It affects a nucleotide within the consensus splice site. This variant is not present in population databases (gnomAD no frequency). This variant has not been reported in the literature in individuals affected with MYH6-related conditions. Variants that disrupt the consensus splice site are a relatively common cause of aberrant splicing (PMID: 17576681, 9536098). Algorithms developed to predict the effect of sequence changes on RNA splicing suggest that this variant is not likely to affect RNA splicing. In summary, the available evidence is currently insufficient to determine the role of this variant in disease. Therefore, it has been classified as a Variant of Uncertain Significance.

Literature cited by the submitters: PubMed 17576681; PubMed 9536098.

NM_002471.4(MYH6):c.3251+6A>C

Gene: MYH6 (myosin heavy chain 6; minus strand). Cytogenetic location: 14q11.2.
Variant type: single nucleotide variant.
Coding change: c.3251+6A>C on transcript NM_002471.4 (MANE Select); 6 bases into the intron after coding-DNA position 3251, A replaced by C.
Molecular consequence: intron variant.
Genome position (GRCh38, 1-based): chr14:23,392,906, T>G on the plus strand (A>C on the coding strand, the complement: MYH6 is on the minus strand). VCF-style: chr14-23392906-T-G. GRCh37 (hg19) VCF-style: chr14-23862115-T-G.
Identifiers: ClinVar variation 3716235 (VCV003716235.2).